The following is an entry in ClinVar:

NM_020894.4(UVSSA):c.551-5G>A

Gene: UVSSA (UV stimulated scaffold protein A; plus strand). Cytogenetic location: 4p16.3.
Variant type: single nucleotide variant.
Coding change: c.551-5G>A on transcript NM_020894.4 (MANE Select); 5 bases into the intron before coding-DNA position 551, G replaced by A.
Molecular consequence: intron variant.
Genome position (GRCh38, 1-based): chr4:1,353,025, G>A. VCF-style: chr4-1353025-G-A. GRCh37 (hg19) VCF-style: chr4-1346813-G-A.
Other names: NC_000004.11:g.1346813G>A; c.551-5G>A (NM_001317935.2, NM_001317934.2).
Identifiers: ClinVar variation 4302299 (VCV004302299.2).

ClinVar aggregate classification (germline): Uncertain significance (1 of 4 stars; one submission).

gnomAD v4.1: 344 of 1,603,490 alleles (0.021%); highest among the groups gnomAD compares: African/African-American, 0.14%; no homozygotes.

Submissions (3):

GeneDx
Classification: Uncertain significance. Last evaluated: 2026-02-14. Review status: criteria provided, single submitter. Criteria: GeneDx Variant Classification Process June 2021. Collection method: clinical testing. Allele origin: germline.
Comment: In silico analysis supports a deleterious effect on splicing; Has not been previously published as pathogenic or benign to our knowledge; This variant is associated with the following publications: (PMID: 31275557)

Dr. Peter K. Rogan Lab, Western University
No classification provided (evidence only). Condition: Colon adenocarcinoma. Review status: no classification provided. Collection method: in vitro. Allele origin: not applicable. Functional consequence: retained intron. Not counted in ClinVar's aggregate classification.

Dr. Peter K. Rogan Lab, Western University
No classification provided (evidence only). Condition: Uterine carcinosarcoma. Review status: no classification provided. Collection method: in vitro. Allele origin: not applicable. Functional consequence: retained intron. Not counted in ClinVar's aggregate classification.